The following is an entry in ClinVar:

NM_004612.4(TGFBR1):c.1474T>A (p.Leu492Ile)

Gene: TGFBR1 (transforming growth factor beta receptor 1; plus strand). Cytogenetic location: 9q22.33.
Variant type: single nucleotide variant.
Coding change: c.1474T>A on transcript NM_004612.4 (MANE Select); coding-DNA position 1474, T replaced by A.
Protein change: p.Leu492Ile; replaces leucine 492 with isoleucine.
Molecular consequence: missense variant.
Genome position (GRCh38, 1-based): chr9:99,149,267, T>A. VCF-style: chr9-99149267-T-A. GRCh37 (hg19) VCF-style: chr9-101911549-T-A.
Other names: c.1243T>A, p.Leu415Ile (NM_001130916.3); c.1486T>A, p.Leu496Ile (NM_001306210.2); short protein forms L415I, L492I, L496I.
Identifiers: ClinVar variation 1347284 (VCV001347284.6), dbSNP rs2118858959, ClinGen allele CA374233764.

ClinVar aggregate classification (germline): Uncertain significance (1 of 4 stars; one submission).

Conditions:
Familial thoracic aortic aneurysm and aortic dissection (TAAD). Also called: Thoracic aortic aneurysms and dissections. Identifiers: Orphanet 91387, MedGen C4707243, MONDO:0019625.

Submission:

Labcorp Genetics (formerly Invitae), Labcorp
Classification: Uncertain significance for Familial thoracic aortic aneurysm and aortic dissection. Last evaluated: 2022-01-19. Review status: criteria provided, single submitter. Criteria: Invitae Variant Classification Sherloc (09022015). Collection method: clinical testing. Allele origin: germline.
Comment: In summary, the available evidence is currently insufficient to determine the role of this variant in disease. Therefore, it has been classified as a Variant of Uncertain Significance. Algorithms developed to predict the effect of missense changes on protein structure and function are either unavailable or do not agree on the potential impact of this missense change (SIFT: "Deleterious"; PolyPhen-2: "Possibly Damaging"; Align-GVGD: "Class C0"). This variant has not been reported in the literature in individuals affected with TGFBR1-related conditions. This variant is not present in population databases (gnomAD no frequency). This sequence change replaces leucine, which is neutral and non-polar, with isoleucine, which is neutral and non-polar, at codon 492 of the TGFBR1 protein (p.Leu492Ile).